The following is an entry in ClinVar:

NM_032492.4(JAGN1):c.11G>C (p.Arg4Pro)

Gene: JAGN1 (jagunal vesicle mediated transporter 1; plus strand). Cytogenetic location: 3p25.3.
Variant type: single nucleotide variant.
Coding change: c.11G>C on transcript NM_032492.4 (MANE Select); coding-DNA position 11, G replaced by C.
Protein change: p.Arg4Pro; replaces arginine 4 with proline.
Molecular consequence: missense variant. On other transcripts: 5 prime UTR variant (1).
Genome position (GRCh38, 1-based): chr3:9,890,733, G>C. VCF-style: chr3-9890733-G-C. GRCh37 (hg19) VCF-style: chr3-9932417-G-C.
Other names: c.11G>C, p.Arg4Pro (LRG_1228t1); c.-258G>C (NM_001363890.1); short protein forms R4P.
Identifiers: ClinVar variation 666030 (VCV000666030.7), dbSNP rs569985954, ClinGen allele CA69984229.

ClinVar aggregate classification (germline): Uncertain significance. Review status: criteria provided, multiple submitters, no conflicts (2 of 4 stars). 2 submissions from 2 submitters: Uncertain significance (2). Last evaluated 2024-10-04.

Conditions:
Inborn genetic diseases. Identifiers: MedGen C0950123, MeSH D030342.
Autosomal recessive severe congenital neutropenia due to JAGN1 deficiency. Also called: Severe congenital neutropenia 6, autosomal recessive. Identifiers: Orphanet 423384, MedGen C4014954, MONDO:0014456, OMIM 616022.

Allele frequency attached by ClinVar (database versions not stated): gnomAD 0.00001 and 0.00003; gnomAD exomes 0.00001; TOPMed 0.00003; 1000 Genomes Project 30x 0.00016; 1000 Genomes Project 0.00020.
gnomAD v4.1: 13 of 1,608,430 alleles (0.00081%); highest among the groups gnomAD compares: South Asian, 0.0067%; no homozygotes.

Submissions (2):

Ambry Genetics
Classification: Uncertain significance for Inborn genetic diseases. Last evaluated: 2024-10-04. Review status: criteria provided, single submitter. Criteria: Ambry Variant Classification Scheme 2023. Collection method: clinical testing. Allele origin: germline.

Labcorp Genetics (formerly Invitae), Labcorp
Classification: Uncertain significance for Autosomal recessive severe congenital neutropenia due to JAGN1 deficiency. Last evaluated: 2022-08-19. Review status: criteria provided, single submitter. Criteria: Invitae Variant Classification Sherloc (09022015). Collection method: clinical testing. Allele origin: germline.
Comment: In summary, the available evidence is currently insufficient to determine the role of this variant in disease. Therefore, it has been classified as a Variant of Uncertain Significance. Algorithms developed to predict the effect of missense changes on protein structure and function are either unavailable or do not agree on the potential impact of this missense change (SIFT: "Deleterious"; PolyPhen-2: "Probably Damaging"; Align-GVGD: "Class C0"). ClinVar contains an entry for this variant (Variation ID: 666030). This variant has not been reported in the literature in individuals affected with JAGN1-related conditions. This variant is present in population databases (rs569985954, gnomAD 0.009%). This sequence change replaces arginine, which is basic and polar, with proline, which is neutral and non-polar, at codon 4 of the JAGN1 protein (p.Arg4Pro).